The following is an entry in ClinVar:

ClinVar aggregate classification (germline): Benign. Review status: criteria provided, multiple submitters, no conflicts (2 of 4 stars). 3 submissions from 3 submitters: Benign (3). Last evaluated 2021-06-10.

Conditions:
Miyoshi muscular dystrophy 1 (MMD1). Identifiers: Orphanet 45448, MedGen C4551973, MONDO:0024545, OMIM 254130.

Allele frequency attached by ClinVar (database versions not stated): 1000 Genomes Project 0.53774; 1000 Genomes Project 30x 0.54372; TOPMed 0.66645; gnomAD 0.66679 and 0.67986; gnomAD exomes 0.68466.
gnomAD v4.1: 1,089,152 of 1,596,142 alleles (68%); highest among the groups gnomAD compares: Non-Finnish European, 72%; 380,117 homozygotes.

Submissions (3):

Genome-Nilou Lab
Classification: Benign for Miyoshi muscular dystrophy 1. Last evaluated: 2021-06-10. Review status: criteria provided, single submitter. Criteria: ACMG Guidelines, 2015. Collection method: clinical testing. Allele origin: germline. Affected: no.

GeneDx
Classification: Benign. Last evaluated: 2018-06-14. Review status: criteria provided, single submitter. Criteria: GeneDx Variant Classification (06012015). Collection method: clinical testing. Allele origin: germline. Affected: yes.
Comment: This variant is considered likely benign or benign based on one or more of the following criteria: it is a conservative change, it occurs at a poorly conserved position in the protein, it is predicted to be benign by multiple in silico algorithms, and/or has population frequency not consistent with disease.

Breakthrough Genomics
Classification: Benign. Review status: criteria provided, single submitter. Criteria: ACMG Guidelines, 2015. Collection method: not provided. Allele origin: germline. Inheritance: Autosomal recessive inheritance. Affected: yes.

NM_001130987.2(DYSF):c.1450-88A>G

Gene: DYSF (dysferlin; plus strand). Cytogenetic location: 2p13.2.
Variant type: single nucleotide variant.
Coding change: c.1450-88A>G on transcript NM_001130987.2 (MANE Select); 88 bases into the intron before coding-DNA position 1450, A replaced by G.
Molecular consequence: intron variant.
Genome position (GRCh38, 1-based): chr2:71,535,180, A>G. VCF-style: chr2-71535180-A-G. GRCh37 (hg19) VCF-style: chr2-71762310-A-G.
Other names: c.1447-88A>G (NM_001130979.2, NM_001130981.2, NM_001130980.2); c.1354-88A>G (NM_001130978.2, NM_003494.4, NM_001130977.2 and 1 more transcripts); c.1450-88A>G (NM_001130982.2, NM_001130985.2); c.1357-88A>G (NM_001130983.2, NM_001130455.2, NM_001130984.2 and 1 more transcripts).
Identifiers: ClinVar variation 679416 (VCV000679416.5), dbSNP rs4852802, ClinGen allele CA11228404.